The following is an entry in ClinVar:

NM_001384474.1(LOXHD1):c.5988del (p.Gln1997fs)

Gene: LOXHD1 (lipoxygenase homology PLAT domains 1; minus strand). Cytogenetic location: 18q21.1.
Variant type: Deletion.
Coding change: c.5988del on transcript NM_001384474.1 (MANE Select); coding-DNA position 5988, one base deleted (G; older notation c.5988delG).
Protein change: p.Gln1997fs; shifts the reading frame from glutamine 1997.
Molecular consequence: frameshift variant.
Genome position (GRCh38, 1-based): chr18:46,489,033, C deleted on the plus strand (G on the coding strand, the reverse complement: LOXHD1 is on the minus strand); the first of 3 consecutive C bases (chr18:46,489,033-46,489,035); deleting any one gives the same sequence. VCF-style (leftmost placement, unchanged base first): chr18-46489032-GC-G. GRCh37 (hg19) VCF-style: chr18-44068995-GC-G.
Other names: c.2655del, p.Gln886fs (NM_001145472.3); c.705del, p.Gln236fs (NM_001145473.3, NM_001173129.2); c.2367del, p.Gln790fs (NM_001308013.2); c.5802del, p.Gln1935fs (NM_144612.7); short protein forms Q1935fs, Q1997fs, Q236fs, Q790fs, Q886fs.
Identifiers: ClinVar variation 1724189 (VCV001724189.2), dbSNP rs2511396663, ClinGen allele CA2580095866.

ClinVar aggregate classification (germline): Likely pathogenic (1 of 4 stars; one submission).

Conditions:
Autosomal recessive nonsyndromic hearing loss 77. Identifiers: Orphanet 90636, MedGen C2746083, MONDO:0013119, OMIM 613079.

Submission:

Myriad Genetics, Inc.
Classification: Likely pathogenic for Autosomal recessive nonsyndromic hearing loss 77. Last evaluated: 2022-01-31. Review status: criteria provided, single submitter. Criteria: Myriad Women's Health Autosomal Recessive and X-Linked Classification Criteria (2021). Collection method: clinical testing. Allele origin: unknown.
Comment: NM_144612.6(LOXHD1):c.5802delG(Q1935Rfs*26) is expected to be pathogenic in the context of LOXHD1-related DFNB77 hearing loss and deafness. This variant is predicted to lead to an abnormal or absent protein product due to the creation of a premature termination codon in LOXHD1, a gene where loss-of-function variants are known to be pathogenic. Please note: this variant was assessed in the context of healthy population screening.